The following is an entry in ClinVar:

NM_024408.4(NOTCH2):c.4700G>A (p.Arg1567Gln)

Gene: NOTCH2 (notch receptor 2; minus strand). Cytogenetic location: 1p12.
Variant type: single nucleotide variant.
Coding change: c.4700G>A on transcript NM_024408.4 (MANE Select); coding-DNA position 4700, G replaced by A.
Protein change: p.Arg1567Gln; replaces arginine 1567 with glutamine.
Molecular consequence: missense variant.
Genome position (GRCh38, 1-based): chr1:119,923,796, C>T on the plus strand (G>A on the coding strand, the complement: NOTCH2 is on the minus strand). VCF-style: chr1-119923796-C-T. GRCh37 (hg19) VCF-style: chr1-120466419-C-T.
Other names: short protein forms R1567Q.
Identifiers: ClinVar variation 2628498 (VCV002628498.1), dbSNP rs1252720747, ClinGen allele CA341888851.

ClinVar aggregate classification (germline): Uncertain significance (1 of 4 stars; one submission).

Conditions:
NOTCH2-related disorder. Also called: NOTCH2-related condition.

Allele frequency attached by ClinVar (database versions not stated): gnomAD exomes below 0.00001.
gnomAD v4.1: 5 of 1,614,116 alleles (0.00031%); highest among the groups gnomAD compares: Admixed American, 0.0017%; no homozygotes.

Submission:

PreventionGenetics, part of Exact Sciences
Classification: Uncertain significance for NOTCH2-related condition. Last evaluated: 2023-07-11. Review status: criteria provided, single submitter. Criteria: ACMG Guidelines, 2015. Collection method: clinical testing. Allele origin: germline.
Comment: The NOTCH2 c.4700G>A variant is predicted to result in the amino acid substitution p.Arg1567Gln. To our knowledge, this variant has not been reported in the literature. This variant is reported in 0.0029% of alleles in individuals of Latino descent in gnomAD. An alternative variant affecting the same amino acid (p.R1567w) has been reported in an individual with neonatal cholestasis (Shaul E et al 2019. PubMed ID: 31595186). At this time, the clinical significance of this variant is uncertain due to the absence of conclusive functional and genetic evidence.